The following is an entry in ClinVar:

NM_015570.4(AUTS2):c.2224+1del

Gene: AUTS2 (activator of transcription and developmental regulator AUTS2; plus strand). Cytogenetic location: 7q11.22.
Variant type: Deletion.
Coding change: c.2224+1del on transcript NM_015570.4 (MANE Select); the canonical splice donor site of the intron after coding-DNA position 2224, one base deleted (G; older notation c.2224+1delG).
Molecular consequence: splice donor variant.
Genome position (GRCh38, 1-based): chr7:70,785,020, G deleted; the last of 2 consecutive G bases (chr7:70,785,019-70,785,020); deleting either gives the same sequence. VCF-style (leftmost placement, unchanged base first): chr7-70785018-AG-A. GRCh37 (hg19) VCF-style: chr7-70250004-AG-A.
Other names: c.2152+1del (NM_001127231.3).
Identifiers: ClinVar variation 2578309 (VCV002578309.1), dbSNP rs2484905454, ClinGen allele CA2580617626.
Genomic context (GRCh38, chr7:70,785,018, plus strand): 5'-TGGGACCCCTTTTGGGCCACCTCCTCATCACAGCAACTTCCTCAACCCTGCTGCCCACCT[AG>A]GTGAGTCGCCCAAAATAATGGGAACTGAGATGTGTGCTTCAGGCAACCCTGCTGTGTTTA-3'

ClinVar aggregate classification (germline): Pathogenic (1 of 4 stars; one submission).

Submission:

GeneDx
Classification: Pathogenic. Last evaluated: 2023-03-03. Review status: criteria provided, single submitter. Criteria: GeneDx Variant Classification Process June 2021. Collection method: clinical testing. Allele origin: germline. Affected: yes.
Comment: Canonical splice site variant expected to result in aberrant splicing, although in the absence of functional evidence the actual effect of this sequence change is unknown.; Not observed at significant frequency in large population cohorts (gnomAD); Deletions involving coding exons of this gene are a known mechanism of disease (HGMD); Has not been previously published as pathogenic or benign to our knowledge